The following is an entry in ClinVar:

ClinVar aggregate classification (germline): Uncertain significance (1 of 4 stars; one submission).

Conditions:
EGFR-related lung cancer (EGFR). Identifiers: MedGen CN130014.

gnomAD v4.1: 2 of 1,522,754 alleles (0.00013%); highest among the groups gnomAD compares: Non-Finnish European, 0.00018%; no homozygotes.

Submission:

Labcorp Genetics (formerly Invitae), Labcorp
Classification: Uncertain significance for EGFR-related lung cancer. Last evaluated: 2024-12-30. Review status: criteria provided, single submitter. Criteria: Invitae Variant Classification Sherloc (09022015). Collection method: clinical testing. Allele origin: germline.
Comment: This sequence change replaces alanine, which is neutral and non-polar, with serine, which is neutral and polar, at codon 13 of the EGFR protein (p.Ala13Ser). This variant is not present in population databases (gnomAD no frequency). This variant has not been reported in the literature in individuals affected with EGFR-related conditions. An algorithm developed to predict the effect of missense changes on protein structure and function (PolyPhen-2) suggests that this variant is likely to be tolerated. In summary, the available evidence is currently insufficient to determine the role of this variant in disease. Therefore, it has been classified as a Variant of Uncertain Significance.

NM_005228.5(EGFR):c.37G>T (p.Ala13Ser)

Gene: EGFR (epidermal growth factor receptor; plus strand). Cytogenetic location: 7p11.2.
Variant type: single nucleotide variant.
Coding change: c.37G>T on transcript NM_005228.5 (MANE Select); coding-DNA position 37, G replaced by T.
Protein change: p.Ala13Ser; replaces alanine 13 with serine.
Molecular consequence: missense variant.
Genome position (GRCh38, 1-based): chr7:55,019,314, G>T. VCF-style: chr7-55019314-G-T. GRCh37 (hg19) VCF-style: chr7-55087007-G-T.
Other names: c.37G>T, p.Ala13Ser (NM_001346897.2, NM_001346898.2, NM_001346899.2 and 4 more transcripts); short protein forms A13S.
Identifiers: ClinVar variation 3728248 (VCV003728248.2).